The following is an entry in ClinVar:

NM_000492.4(CFTR):c.4053G>C (p.Lys1351Asn)

Gene: CFTR (CF transmembrane conductance regulator; plus strand). Cytogenetic location: 7q31.2.
Variant type: single nucleotide variant.
Coding change: c.4053G>C on transcript NM_000492.4 (MANE Select); coding-DNA position 4053, G replaced by C.
Protein change: p.Lys1351Asn; replaces lysine 1351 with asparagine.
Molecular consequence: missense variant.
Genome position (GRCh38, 1-based): chr7:117,664,777, G>C. VCF-style: chr7-117664777-G-C. GRCh37 (hg19) VCF-style: chr7-117304831-G-C.
Other names: p.Lys1351Asn; short protein forms K1351N.
Identifiers: ClinVar variation 495941 (VCV000495941.19), dbSNP rs763602969, ClinGen allele CA368982619.

ClinVar aggregate classification (germline): Uncertain significance. Review status: criteria provided, multiple submitters, no conflicts (2 of 4 stars). 8 submissions from 8 submitters: Uncertain significance (6). 2 of the submissions do not count toward it. Last evaluated 2025-09-12.

Conditions:
CFTR-related disorder (CFTR-RD). Also called: CFTR-related disorders; CFTR-related condition. Identifiers: MedGen C5924204, MONDO:7770004.
Cystic fibrosis (CF). Also called: MUCOVISCIDOSIS. Identifiers: Orphanet 586, MedGen C0010674, MONDO:0009061, OMIM 219700. Disease mechanism: loss of function.

gnomAD v4.1: 2 of 1,614,062 alleles (0.00012%); highest among the groups gnomAD compares: Non-Finnish European, 0.00017%; no homozygotes.

Submissions (8):

Ambry Genetics
Classification: Uncertain significance for Cystic fibrosis. Last evaluated: 2025-09-12. Review status: criteria provided, single submitter. Criteria: Ambry Variant Classification Scheme 2023. Collection method: clinical testing. Allele origin: germline.
Comment: The p.K1351N variant (also known as c.4053G>C), located in coding exon 25 of the CFTR gene, results from a G to C substitution at nucleotide position 4053. The lysine at codon 1351 is replaced by asparagine, an amino acid with similar properties. This amino acid position is highly conserved in available vertebrate species. In addition, the in silico prediction for this alteration is inconclusive. Since supporting evidence is limited at this time, the clinical significance of this alteration remains unclear.

Labcorp Genetics (formerly Invitae), Labcorp
Classification: Uncertain significance for Cystic fibrosis. Last evaluated: 2025-07-24. Review status: criteria provided, single submitter. Criteria: Invitae Variant Classification Sherloc (09022015). Collection method: clinical testing. Allele origin: germline.
Comment: This sequence change replaces lysine, which is basic and polar, with asparagine, which is neutral and polar, at codon 1351 of the CFTR protein (p.Lys1351Asn). This variant is present in population databases (no rsID available, gnomAD 0.0009%). This variant has not been reported in the literature in individuals affected with CFTR-related conditions. ClinVar contains an entry for this variant (Variation ID: 495941). Invitae Evidence Modeling of protein sequence and biophysical properties (such as structural, functional, and spatial information, amino acid conservation, physicochemical variation, residue mobility, and thermodynamic stability) indicates that this missense variant is expected to disrupt CFTR protein function with a positive predictive value of 80%. This variant disrupts the p.Lys1351 amino acid residue in CFTR. Other variant(s) that disrupt this residue have been observed in individuals with CFTR-related conditions (PMID: 9272157, 25010724), which suggests that this may be a clinically significant amino acid residue. In summary, the available evidence is currently insufficient to determine the role of this variant in disease. Therefore, it has been classified as a Variant of Uncertain Significance.

Mayo Clinic Laboratories, Mayo Clinic
Classification: Uncertain significance. Last evaluated: 2022-10-31. Review status: criteria provided, single submitter. Criteria: ACMG Guidelines, 2015. Collection method: clinical testing. Allele origin: germline. Observed: 1 variant allele.
Comment: PP3, PM2

Genome-Nilou Lab
Classification: Uncertain significance for Cystic fibrosis. Last evaluated: 2021-09-05. Review status: criteria provided, single submitter. Criteria: ACMG Guidelines, 2015. Collection method: clinical testing. Allele origin: germline. Affected: no.

ARUP Laboratories, Molecular Genetics and Genomics, ARUP Laboratories
Classification: Uncertain significance. Last evaluated: 2020-03-06. Review status: criteria provided, single submitter. Criteria: ARUP Molecular Germline Variant Investigation Process. Collection method: clinical testing. Allele origin: germline.
Comment: The CFTR c.4053G>C; p.Lys1351Asn variant (rs763602969), to our knowledge, is not reported in the medical literature but is reported in ClinVar (Variation ID: 495941). This variant is only observed on one allele in the Genome Aggregation Database, indicating it is not a common polymorphism. The lysine at codon 1351 is moderately conserved, and computational analyses (SIFT, PolyPhen-2) predict that this variant is deleterious. Additionally, other variants at this codon (c.4051A>G; p.Lys1351Glu, c.4052A>G; p.Lys1351Arg) have been reported in individuals with congenital absence of vas deferens or azoospermia (Dork 1997, Sharma 2014). However, given the lack of clinical and functional data, the significance of the p.Lys1351Asn variant is uncertain at this time. References: Dork T et al. Distinct spectrum of CFTR gene mutations in congenital absence of vas deferens. Hum Genet. 1997 100(3-4):365-77. Sharma H et al. Increased frequency of CFTR gene mutations identified in Indian infertile men with non-CBAVD obstructive azoospermia and spermatogenic failure. Gene. 2014 Sep 10;548(1):43-7.

Women's Health and Genetics/Laboratory Corporation of America, LabCorp
Classification: Uncertain significance. Last evaluated: 2016-11-22. Review status: criteria provided, single submitter. Criteria: LabCorp Variant Classification Summary - May 2015. Collection method: clinical testing. Allele origin: germline.
Comment: Variant summary: The CFTR c.4053G>C (p.Lys1351Asn) variant involves the alteration of a non-conserved nucleotide. 5/5 in silico tools predict a damaging outcome for this variant. This variant is absent in 121348 control chromosomes. The variant of interest has not, to our knowledge, been reported in affected individuals via publications and/or reputable databases/clinical diagnostic laboratories; nor evaluated for functional impact by in vivo/vitro studies. Because of the absence of clinical information and the lack of functional studies, the variant is classified as a variant of uncertain significance (VUS) until additional information becomes available.

Natera, Inc.
Classification: Uncertain significance for CFTR-related disorders. Last evaluated: 2019-02-08. Review status: no assertion criteria provided. Collection method: clinical testing. Allele origin: germline. Not counted in ClinVar's aggregate classification.

Counsyl
Classification: Uncertain significance for Cystic fibrosis. Last evaluated: 2018-02-06. Review status: no assertion criteria provided. Collection method: clinical testing. Allele origin: unknown. Not counted in ClinVar's aggregate classification.

Literature cited by the submitters: PubMed 9272157 (cited by Labcorp Genetics (formerly Invitae), Labcorp); PubMed 25010724 (cited by Labcorp Genetics (formerly Invitae), Labcorp).